The following is an entry in ClinVar:

ClinVar aggregate classification (germline): Uncertain significance (1 of 4 stars; one submission).

Conditions:
Specific granule deficiency. Identifiers: Orphanet 169142, MedGen C0398593, MONDO:0009506.

Allele frequency attached by ClinVar (database versions not stated): gnomAD exomes below 0.00001; TOPMed below 0.00001; ExAC 0.00001.
gnomAD v4.1: 7 of 1,614,052 alleles (0.00043%); highest among the groups gnomAD compares: Non-Finnish European, 0.00059%; no homozygotes.

Submission:

Labcorp Genetics (formerly Invitae), Labcorp
Classification: Uncertain significance for Specific granule deficiency. Last evaluated: 2020-07-30. Review status: criteria provided, single submitter. Criteria: Invitae Variant Classification Sherloc (09022015). Collection method: clinical testing. Allele origin: germline.
Comment: Algorithms developed to predict the effect of missense changes on protein structure and function are either unavailable or do not agree on the potential impact of this missense change (SIFT: "Deleterious"; PolyPhen-2: "Benign"; Align-GVGD: "Class C35"). This variant has not been reported in the literature in individuals with CEBPE-related conditions. This variant is present in population databases (rs750228203, ExAC 0.002%). This sequence change replaces arginine with glycine at codon 67 of the CEBPE protein (p.Arg67Gly). The arginine residue is highly conserved and there is a moderate physicochemical difference between arginine and glycine. In summary, the available evidence is currently insufficient to determine the role of this variant in disease. Therefore, it has been classified as a Variant of Uncertain Significance.

NM_001805.4(CEBPE):c.199A>G (p.Arg67Gly)

Gene: CEBPE (CCAAT enhancer binding protein epsilon; minus strand). Cytogenetic location: 14q11.2.
Variant type: single nucleotide variant.
Coding change: c.199A>G on transcript NM_001805.4 (MANE Select); coding-DNA position 199, A replaced by G.
Protein change: p.Arg67Gly; replaces arginine 67 with glycine.
Molecular consequence: missense variant.
Genome position (GRCh38, 1-based): chr14:23,118,893, T>C on the plus strand (A>G on the coding strand, the complement: CEBPE is on the minus strand). VCF-style: chr14-23118893-T-C. GRCh37 (hg19) VCF-style: chr14-23588102-T-C.
Other names: short protein forms R67G.
Identifiers: ClinVar variation 1055438 (VCV001055438.9), dbSNP rs750228203, ClinGen allele CA7111270.
Genomic context (GRCh38, chr14:23,118,893, plus strand): 5'-GCCGAGGGTCAGGCGGCAAGTAGTGGGGGAAGGCAGGGGTTCCGGGGCCCTTGAGGCCTC[T>C]GGCCTCAGGCGCTGGCTTCACGGCAAAGAGATCGGAGAGAAGCTGCTCTTCCCCAGACTC-3'
Protein context (NP_001796.2, residues 57-77): LFAVKPAPEA[Arg67Gly]GLKGPGTPAF